The following is an entry in ClinVar:

NM_015168.2(ZC3H4):c.493-3C>T

Gene: ZC3H4 (zinc finger CCCH-type containing 4; minus strand). Cytogenetic location: 19q13.32.
Variant type: single nucleotide variant.
Coding change: c.493-3C>T on transcript NM_015168.2 (MANE Select); 3 bases into the intron before coding-DNA position 493, C replaced by T.
Molecular consequence: intron variant.
Genome position (GRCh38, 1-based): chr19:47,090,192, G>A on the plus strand (C>T on the coding strand, the complement: ZC3H4 is on the minus strand). VCF-style: chr19-47090192-G-A. GRCh37 (hg19) VCF-style: chr19-47593449-G-A.
Other names: NC_000019.9:g.47593449G>A.
Identifiers: ClinVar variation 3049540 (VCV003049540.3), dbSNP rs191574289, ClinGen allele CA9535572.

ClinVar aggregate classification (germline): Benign (0 of 4 stars; one submission).

Conditions:
ZC3H4-related disorder. Also called: ZC3H4-related condition.

Allele frequency attached by ClinVar (database versions not stated): ESP Exome Variant Server 0.00008; gnomAD exomes 0.00101; gnomAD 0.00179; TOPMed 0.00190; ExAC 0.00342; 1000 Genomes Project 30x 0.00921; 1000 Genomes Project 0.00978.
gnomAD v4.1: 1,886 of 1,614,056 alleles (0.12%); highest among the groups gnomAD compares: East Asian, 3.3%; 36 homozygotes.

Submissions (10):

PreventionGenetics, part of Exact Sciences
Classification: Benign for ZC3H4-related condition. Last evaluated: 2020-02-18. Review status: no assertion criteria provided. Collection method: clinical testing. Allele origin: germline.
Comment: This variant is classified as benign based on ACMG/AMP sequence variant interpretation guidelines (Richards et al. 2015 PMID: 25741868, with internal and published modifications).

Dr. Peter K. Rogan Lab, Western University
No classification provided (evidence only). Condition: Familial cancer of breast. Review status: no classification provided. Collection method: in vitro. Allele origin: not applicable. Functional consequence: retained intron. Not counted in ClinVar's aggregate classification.

Dr. Peter K. Rogan Lab, Western University
No classification provided (evidence only). Condition: Cervical cancer. Review status: no classification provided. Collection method: in vitro. Allele origin: not applicable. Functional consequence: retained intron. Not counted in ClinVar's aggregate classification.

Dr. Peter K. Rogan Lab, Western University
No classification provided (evidence only). Condition: Gastric cancer. Review status: no classification provided. Collection method: in vitro. Allele origin: not applicable. Functional consequence: retained intron. Not counted in ClinVar's aggregate classification.

Dr. Peter K. Rogan Lab, Western University
No classification provided (evidence only). Condition: Gastric cancer. Review status: no classification provided. Collection method: in vitro. Allele origin: not applicable. Functional consequence: retained intron. Not counted in ClinVar's aggregate classification.

Dr. Peter K. Rogan Lab, Western University
No classification provided (evidence only). Condition: Gastric cancer. Review status: no classification provided. Collection method: in vitro. Allele origin: not applicable. Functional consequence: retained intron. Not counted in ClinVar's aggregate classification.

Dr. Peter K. Rogan Lab, Western University
No classification provided (evidence only). Condition: Gastric cancer. Review status: no classification provided. Collection method: in vitro. Allele origin: not applicable. Functional consequence: retained intron. Not counted in ClinVar's aggregate classification.

Dr. Peter K. Rogan Lab, Western University
No classification provided (evidence only). Condition: Gastric cancer. Review status: no classification provided. Collection method: in vitro. Allele origin: not applicable. Functional consequence: retained intron. Not counted in ClinVar's aggregate classification.

Dr. Peter K. Rogan Lab, Western University
No classification provided (evidence only). Condition: Gastric cancer. Review status: no classification provided. Collection method: in vitro. Allele origin: not applicable. Functional consequence: retained intron. Not counted in ClinVar's aggregate classification.

Dr. Peter K. Rogan Lab, Western University
No classification provided (evidence only). Condition: Malignant tumor of esophagus. Review status: no classification provided. Collection method: in vitro. Allele origin: not applicable. Functional consequence: retained intron. Not counted in ClinVar's aggregate classification.